The following is an entry in ClinVar:

ClinVar aggregate classification (germline): Uncertain significance (1 of 4 stars; one submission).

Conditions:
Hereditary breast ovarian cancer syndrome. Also called: Hereditary breast and ovarian cancer syndrome (HBOC); Hereditary breast and ovarian cancer; Breast and ovarian cancer; Hereditary breast and/or ovarian cancer syndrome; BRCA1- and BRCA2-Associated Hereditary Breast and Ovarian Cancer; Hereditary breast and ovarian cancer syndrome. Identifiers: Orphanet 145, MedGen C0677776, MeSH D061325, MONDO:0003582. Disease mechanism: loss of function.

Submission:

Labcorp Genetics (formerly Invitae), Labcorp
Classification: Uncertain significance for Hereditary breast ovarian cancer syndrome. Last evaluated: 2026-01-18. Review status: criteria provided, single submitter. Criteria: Invitae Variant Classification Sherloc (09022015). Collection method: clinical testing. Allele origin: germline.
Comment: This sequence change replaces lysine, which is basic and polar, with isoleucine, which is neutral and non-polar, at codon 3059 of the BRCA2 protein (p.Lys3059Ile). This variant is not present in population databases (gnomAD no frequency). This variant has not been reported in the literature in individuals affected with BRCA2-related conditions. Invitae Evidence Modeling of protein sequence and biophysical properties (such as structural, functional, and spatial information, amino acid conservation, physicochemical variation, residue mobility, and thermodynamic stability) indicates that this missense variant is not expected to disrupt BRCA2 protein function with a negative predictive value of 95%. In summary, the available evidence is currently insufficient to determine the role of this variant in disease. Therefore, it has been classified as a Variant of Uncertain Significance.

NM_000059.4(BRCA2):c.9176A>T (p.Lys3059Ile)

Gene: BRCA2 (BRCA2 DNA repair associated; plus strand). Cytogenetic location: 13q13.1.
Variant type: single nucleotide variant.
Coding change: c.9176A>T on transcript NM_000059.4 (MANE Select); coding-DNA position 9176, A replaced by T.
Protein change: p.Lys3059Ile; replaces lysine 3059 with isoleucine.
Molecular consequence: missense variant. On other transcripts: non-coding transcript variant (1).
Genome position (GRCh38, 1-based): chr13:32,380,065, A>T. VCF-style: chr13-32380065-A-T. GRCh37 (hg19) VCF-style: chr13-32954202-A-T.
Other names: c.9080A>T, p.Lys3027Ile (NM_001406719.1); c.9125A>T, p.Lys3042Ile (NM_001406720.1); c.4244A>T, p.Lys1415Ile (NM_001406721.1); c.2759A>T, p.Lys920Ile (NM_001406722.1); c.9176A>T, p.Lys3059Ile (NM_001432077.1); short protein forms K1415I, K3027I, K3042I, K3059I, K920I.
Identifiers: ClinVar variation 4802361 (VCV004802361.1).